The following is an entry in ClinVar:

ClinVar aggregate classification (germline): Likely benign. Review status: criteria provided, multiple submitters, no conflicts (2 of 4 stars). 4 submissions from 4 submitters: Likely benign (4). Last evaluated 2026-07-01.

Conditions:
Adams-Oliver syndrome 5 (AOS5). Identifiers: Orphanet 974, MedGen C4014970, MONDO:0014459, OMIM 616028.
Familial thoracic aortic aneurysm and aortic dissection (TAAD). Also called: Thoracic aortic aneurysms and dissections. Identifiers: Orphanet 91387, MedGen C4707243, MONDO:0019625.

Allele frequency attached by ClinVar (database versions not stated): TOPMed below 0.00001; gnomAD 0.00001; gnomAD exomes 0.00001.
gnomAD v4.1: 14 of 1,605,900 alleles (0.00087%); highest among the groups gnomAD compares: Admixed American, 0.0017%; no homozygotes.

Submissions (4):

CeGaT Center for Human Genetics Tuebingen
Classification: Likely benign. Last evaluated: 2026-07-01. Review status: criteria provided, single submitter. Criteria: CeGaT Center For Human Genetics Tuebingen Variant Classification Criteria Version 2. Collection method: clinical testing. Allele origin: germline. Affected: yes. Observed: 1 variant allele.
Comment: NOTCH1: BP4, BP7

Women's Health and Genetics/Laboratory Corporation of America, LabCorp
Classification: Likely benign. Last evaluated: 2026-06-08. Review status: criteria provided, single submitter. Criteria: LabCorp Variant Classification Summary - May 2015. Collection method: clinical testing. Allele origin: germline.

Labcorp Genetics (formerly Invitae), Labcorp
Classification: Likely benign for Adams-Oliver syndrome 5. Last evaluated: 2025-06-04. Review status: criteria provided, single submitter. Criteria: Invitae Variant Classification Sherloc (09022015). Collection method: clinical testing. Allele origin: germline.

Ambry Genetics
Classification: Likely benign for Familial thoracic aortic aneurysm and aortic dissection. Last evaluated: 2024-03-19. Review status: criteria provided, single submitter. Criteria: Ambry Variant Classification Scheme 2023. Collection method: clinical testing. Allele origin: germline.

NM_017617.5(NOTCH1):c.447C>T (p.Cys149=)

Gene: NOTCH1 (notch receptor 1; minus strand). Cytogenetic location: 9q34.3.
Variant type: single nucleotide variant.
Coding change: c.447C>T on transcript NM_017617.5 (MANE Select); coding-DNA position 447, C replaced by T.
Protein change: p.Cys149=; no amino-acid change (cysteine 149 retained).
Molecular consequence: synonymous variant.
Genome position (GRCh38, 1-based): chr9:136,523,145, G>A on the plus strand (C>T on the coding strand, the complement: NOTCH1 is on the minus strand). VCF-style: chr9-136523145-G-A. GRCh37 (hg19) VCF-style: chr9-139417597-G-A.
Other names: c.447C>T (NM_017617.3).
Identifiers: ClinVar variation 1112163 (VCV001112163.12), dbSNP rs1042034779, ClinGen allele CA201590061.
Genomic context (GRCh38, chr9:136,523,145, plus strand): 5'-GCTGGGTGGGCAGTGGCAGATGTAGGAGGCCTCGAAGGGCAGGCACTGGCCACCGTTGGC[G>A]CAGGGGTTGGAGGCGCACGGGTCAGCCTGCTGGCACGATTTCCCTGGAGACAAGGGGACA-3'
Protein context (NP_060087.3, residues 139-159): QQADPCASNP[Cys149=]ANGGQCLPFE